The following is an entry in ClinVar:

NM_003072.5(SMARCA4):c.1303A>G (p.Asn435Asp)

Gene: SMARCA4 (SWI/SNF related BAF chromatin remodeling complex subunit ATPase 4; plus strand). Cytogenetic location: 19p13.2.
Variant type: single nucleotide variant.
Coding change: c.1303A>G on transcript NM_003072.5 (MANE Select); coding-DNA position 1303, A replaced by G.
Protein change: p.Asn435Asp; replaces asparagine 435 with aspartic acid.
Molecular consequence: missense variant. On other transcripts: non-coding transcript variant (1).
Genome position (GRCh38, 1-based): chr19:10,991,207, A>G. VCF-style: chr19-10991207-A-G. GRCh37 (hg19) VCF-style: chr19-11101883-A-G.
Other names: c.1303A>G, p.Asn435Asp (NM_001128848.2, NM_001128849.3, NM_001374457.1 and 5 more transcripts); short protein forms N435D.
Identifiers: ClinVar variation 238370 (VCV000238370.18), dbSNP rs371062068, ClinGen allele CA9203748.

ClinVar aggregate classification (germline): Conflicting classifications of pathogenicity. Review status: criteria provided, conflicting classifications (1 of 4 stars). 4 submissions from 4 submitters: Uncertain significance (2); Likely benign (2). Last evaluated 2026-07-06.

Conditions:
Hereditary cancer-predisposing syndrome. Also called: Hereditary Cancer Syndrome; Tumor predisposition; Hereditary neoplastic syndrome; Neoplastic Syndromes, Hereditary. Identifiers: Orphanet 140162, MedGen C0027672, MeSH D009386, MONDO:0015356.
Intellectual disability, autosomal dominant 16 (CSS4). Also called: COFFIN-SIRIS SYNDROME 4. Identifiers: Orphanet 1465, MedGen C3553249, MONDO:0013821, OMIM 614609.
Rhabdoid tumor predisposition syndrome 2 (RTPS2). Identifiers: Orphanet 231108, Orphanet 69077, MedGen C2750074, MONDO:0013224, OMIM 613325.

Allele frequency attached by ClinVar (database versions not stated): gnomAD exomes below 0.00001 and 0.00001; gnomAD 0.00001; ESP Exome Variant Server 0.00008; ExAC 0.00001; TOPMed 0.00002.
gnomAD v4.1: 6 of 1,613,868 alleles (0.00037%); highest among the groups gnomAD compares: Non-Finnish European, 0.00051%; no homozygotes.

Submissions (4):

Myriad Genetics, Inc.
Classification: Likely benign for Rhabdoid tumor predisposition syndrome 2. Last evaluated: 2026-07-06. Review status: criteria provided, single submitter. Criteria: Myriad Autosomal Dominant, Autosomal Recessive and X-Linked Classification Criteria (2023). Collection method: clinical testing. Allele origin: unknown.
Comment: This variant is considered likely benign. This variant has been observed at a population frequency that is significantly greater than expected given the associated disease prevalence and penetrance.

Labcorp Genetics (formerly Invitae), Labcorp
Classification: Uncertain significance for Rhabdoid tumor predisposition syndrome 2. Last evaluated: 2025-12-31. Review status: criteria provided, single submitter. Criteria: Invitae Variant Classification Sherloc (09022015). Collection method: clinical testing. Allele origin: germline.
Comment: This sequence change replaces asparagine, which is neutral and polar, with aspartic acid, which is acidic and polar, at codon 435 of the SMARCA4 protein (p.Asn435Asp). This variant is present in population databases (rs371062068, gnomAD 0.002%). This missense change has been observed in individual(s) with SMARCA4-related conditions (PMID: 37500730). ClinVar contains an entry for this variant (Variation ID: 238370). Invitae Evidence Modeling of protein sequence and biophysical properties (such as structural, functional, and spatial information, amino acid conservation, physicochemical variation, residue mobility, and thermodynamic stability) has been performed for this missense variant. However, the output from this modeling did not meet the statistical confidence thresholds required to predict the impact of this variant on SMARCA4 protein function. In summary, the available evidence is currently insufficient to determine the role of this variant in disease. Therefore, it has been classified as a Variant of Uncertain Significance.

Ambry Genetics
Classification: Likely benign for Hereditary cancer-predisposing syndrome. Last evaluated: 2021-08-25. Review status: criteria provided, single submitter. Criteria: Ambry Variant Classification Scheme 2023. Collection method: clinical testing. Allele origin: germline.

Genome-Nilou Lab
Classification: Uncertain significance for Intellectual disability, autosomal dominant 16. Last evaluated: 2021-07-15. Review status: criteria provided, single submitter. Criteria: ACMG Guidelines, 2015. Collection method: clinical testing. Allele origin: germline. Affected: no.

Literature cited by the submitters: PubMed 37500730 (cited by Labcorp Genetics (formerly Invitae), Labcorp).